The following is an entry in ClinVar:

NM_001122769.3(LCA5):c.1138G>A (p.Gly380Arg)

Gene: LCA5 (lebercilin LCA5; minus strand). Cytogenetic location: 6q14.1.
Variant type: single nucleotide variant.
Coding change: c.1138G>A on transcript NM_001122769.3 (MANE Select); coding-DNA position 1138, G replaced by A.
Protein change: p.Gly380Arg; replaces glycine 380 with arginine.
Molecular consequence: missense variant.
Genome position (GRCh38, 1-based): chr6:79,489,177, C>T on the plus strand (G>A on the coding strand, the complement: LCA5 is on the minus strand). VCF-style: chr6-79489177-C-T. GRCh37 (hg19) VCF-style: chr6-80198894-C-T.
Other names: c.1138G>A, p.Gly380Arg (NM_181714.4); short protein forms G380R.
Identifiers: ClinVar variation 358097 (VCV000358097.13), dbSNP rs201814494, ClinGen allele CA3900905.
Genomic context (GRCh38, chr6:79,489,177, plus strand): 5'-CATGGAGTTCTTCATCTGTAACAAATTTTTCTTCTCTTTCCATAATTGGGTTTAGAATCC[C>T]TGCTTCTCCATGCCTGTCTTGCTTTTGAGATTGCAAGTCCTATTATACGTTAAAAAAAAT-3'
Protein context (NP_001116241.1, residues 370-390): SQKQDRHGEA[Gly380Arg]ILNPIMEREE

ClinVar aggregate classification (germline): Uncertain significance. Review status: criteria provided, multiple submitters, no conflicts (2 of 4 stars). 4 submissions from 4 submitters: Uncertain significance (3). 1 of the submissions does not count toward it. Last evaluated 2023-02-22.

Conditions:
Inborn genetic diseases. Identifiers: MedGen C0950123, MeSH D030342.
Leber congenital amaurosis 5 (LCA5). Also called: Amaurosis congenita of Leber, type 5. Identifiers: Orphanet 65, MedGen C1858301, MONDO:0011473, OMIM 604537.

Allele frequency attached by ClinVar (database versions not stated): 1000 Genomes Project 30x 0.00047; gnomAD exomes 0.00001 and 0.00008; TOPMed 0.00002; gnomAD 0.00004 and 0.00005; ExAC 0.00009; 1000 Genomes Project 0.00040.
gnomAD v4.1: 35 of 1,612,644 alleles (0.0022%); highest among the groups gnomAD compares: East Asian, 0.058%; no homozygotes.

Submissions (4):

Ambry Genetics
Classification: Uncertain significance for Inborn genetic diseases. Last evaluated: 2023-02-22. Review status: criteria provided, single submitter. Criteria: Ambry Variant Classification Scheme 2023. Collection method: clinical testing. Allele origin: germline.

Labcorp Genetics (formerly Invitae), Labcorp
Classification: Uncertain significance. Last evaluated: 2022-07-06. Review status: criteria provided, single submitter. Criteria: Invitae Variant Classification Sherloc (09022015). Collection method: clinical testing. Allele origin: germline.
Comment: This sequence change replaces glycine, which is neutral and non-polar, with arginine, which is basic and polar, at codon 380 of the LCA5 protein (p.Gly380Arg). This variant is present in population databases (rs201814494, gnomAD 0.09%). This variant has not been reported in the literature in individuals affected with LCA5-related conditions. ClinVar contains an entry for this variant (Variation ID: 358097). Algorithms developed to predict the effect of missense changes on protein structure and function output the following: SIFT: "Tolerated"; PolyPhen-2: "Benign"; Align-GVGD: "Class C0". The arginine amino acid residue is found in multiple mammalian species, which suggests that this missense change does not adversely affect protein function. In summary, the available evidence is currently insufficient to determine the role of this variant in disease. Therefore, it has been classified as a Variant of Uncertain Significance.

Illumina Laboratory Services, Illumina
Classification: Uncertain significance for Leber congenital amaurosis 5. Last evaluated: 2018-01-13. Review status: criteria provided, single submitter. Criteria: ICSL Variant Classification Criteria 13 December 2019. Collection method: clinical testing. Allele origin: germline.

Natera, Inc.
Classification: Uncertain significance for Leber congenital amaurosis type 5. Last evaluated: 2020-03-04. Review status: no assertion criteria provided. Collection method: clinical testing. Allele origin: germline. Not counted in ClinVar's aggregate classification.